The following is an entry in ClinVar:

NM_005898.5(CAPRIN1):c.716G>A (p.Arg239His)

Gene: CAPRIN1 (cell cycle associated protein 1; plus strand). Cytogenetic location: 11p13.
Variant type: single nucleotide variant.
Coding change: c.716G>A on transcript NM_005898.5 (MANE Select); coding-DNA position 716, G replaced by A.
Protein change: p.Arg239His; replaces arginine 239 with histidine.
Molecular consequence: missense variant.
Genome position (GRCh38, 1-based): chr11:34,079,655, G>A. VCF-style: chr11-34079655-G-A. GRCh37 (hg19) VCF-style: chr11-34101202-G-A.
Other names: c.716G>A, p.Arg239His (NM_203364.3); short protein forms R239H.
Identifiers: ClinVar variation 4872713 (VCV004872713.2).

ClinVar aggregate classification (germline): Likely benign (1 of 4 stars; one submission).

gnomAD v4.1: 109 of 1,613,820 alleles (0.0068%); highest among the groups gnomAD compares: East Asian, 0.21%; no homozygotes.

Submission:

CeGaT Center for Human Genetics Tuebingen
Classification: Likely benign. Last evaluated: 2026-05-01. Review status: criteria provided, single submitter. Criteria: CeGaT Center For Human Genetics Tuebingen Variant Classification Criteria Version 2. Collection method: clinical testing. Allele origin: germline. Affected: yes. Observed: 1 variant allele.
Comment: CAPRIN1: BP4, BS2